The following is an entry in ClinVar:

ClinVar aggregate classification (germline): Benign. Review status: criteria provided, multiple submitters, no conflicts (2 of 4 stars). 11 submissions from 10 submitters: Benign (9). 2 of the submissions do not count toward it. Last evaluated 2026-02-02.

Conditions:
Familial cutaneous telangiectasia and oropharyngeal predisposition cancer syndrome. Identifiers: Orphanet 313846, MedGen C3281203, MONDO:0013806, OMIM 614564.
Seckel syndrome 1 (SCKL1). Also called: MICROCEPHALIC PRIMORDIAL DWARFISM I. Identifiers: Orphanet 808, MedGen C4551474, MONDO:0008869, OMIM 210600.

Allele frequency attached by ClinVar (database versions not stated): gnomAD 0.01020 and 0.01060; 1000 Genomes Project 30x 0.01359; gnomAD exomes 0.00920; 1000 Genomes Project 0.01837; ExAC 0.01889; ESP Exome Variant Server 0.02053.
gnomAD v4.1: 14,938 of 1,549,054 alleles (0.96%); highest among the groups gnomAD compares: South Asian, 2.4%; 289 homozygotes.

Submissions (11):

Labcorp Genetics (formerly Invitae), Labcorp
Classification: Benign. Last evaluated: 2026-02-02. Review status: criteria provided, single submitter. Criteria: Invitae Variant Classification Sherloc (09022015). Collection method: clinical testing. Allele origin: germline.

KCCC/NGS Laboratory, Kuwait Cancer Control Center
Classification: Benign for Familial cutaneous telangiectasia and oropharyngeal predisposition cancer syndrome. Last evaluated: 2023-07-07. Review status: criteria provided, single submitter. Criteria: ACMG Guidelines, 2015. Collection method: clinical testing. Allele origin: germline. Affected: yes.

Genome-Nilou Lab
Classification: Benign for Seckel syndrome 1. Last evaluated: 2023-02-08. Review status: criteria provided, single submitter. Criteria: ACMG Guidelines, 2015. Collection method: clinical testing. Allele origin: germline.

Genome-Nilou Lab
Classification: Benign for Familial cutaneous telangiectasia and oropharyngeal predisposition cancer syndrome. Last evaluated: 2023-02-08. Review status: criteria provided, single submitter. Criteria: ACMG Guidelines, 2015. Collection method: clinical testing. Allele origin: germline.

ARUP Laboratories, Molecular Genetics and Genomics, ARUP Laboratories
Classification: Benign. Last evaluated: 2020-05-05. Review status: criteria provided, single submitter. Criteria: ARUP Molecular Germline Variant Investigation Process. Collection method: clinical testing. Allele origin: germline.

Illumina Laboratory Services, Illumina
Classification: Benign for Seckel syndrome 1. Last evaluated: 2018-01-13. Review status: criteria provided, single submitter. Criteria: ICSL Variant Classification Criteria 13 December 2019. Collection method: clinical testing. Allele origin: germline.
Comment: This variant was observed in the ICSL laboratory as part of a predisposition screen in an ostensibly healthy population. It had not been previously curated by ICSL or reported in the Human Gene Mutation Database (HGMD: prior to June 1st, 2018), and was therefore a candidate for classification through an automated scoring system. Utilizing variant allele frequency, disease prevalence and penetrance estimates, and inheritance mode, an automated score was calculated to assess if this variant is too frequent to cause the disease. Based on the score and internal cut-off values, a variant classified as benign is not then subjected to further curation. The score for this variant resulted in a classification of benign for this disease.

GeneDx
Classification: Benign. Last evaluated: 2015-03-03. Review status: criteria provided, single submitter. Criteria: GeneDx Variant Classification Process June 2021. Collection method: clinical testing. Allele origin: germline. Affected: yes.

Genetic Services Laboratory, University of Chicago
Classification: Benign. Last evaluated: 2013-07-02. Review status: criteria provided, single submitter. Criteria: ACMG Guidelines, 2007. Collection method: clinical testing. Allele origin: germline. Inheritance: Autosomal recessive inheritance.

Breakthrough Genomics
Classification: Benign. Review status: criteria provided, single submitter. Criteria: ACMG Guidelines, 2015. Collection method: not provided. Allele origin: germline. Inheritance: Autosomal recessive inheritance. Affected: yes.

Clinical Genetics DNA and cytogenetics Diagnostics Lab, Erasmus MC, Erasmus Medical Center
Classification: Likely benign. Review status: no assertion criteria provided. Collection method: clinical testing. Allele origin: germline. Affected: yes. Study: VKGL Data-share Consensus. Not counted in ClinVar's aggregate classification.

Joint Genome Diagnostic Labs from Nijmegen and Maastricht, Radboudumc and MUMC+
Classification: Benign. Review status: no assertion criteria provided. Collection method: clinical testing. Allele origin: germline. Affected: yes. Study: VKGL Data-share Consensus. Not counted in ClinVar's aggregate classification.

NM_001184.4(ATR):c.5868C>T (p.Tyr1956=)

Gene: ATR (ATR checkpoint kinase; minus strand). Cytogenetic location: 3q23.
Variant type: single nucleotide variant.
Coding change: c.5868C>T on transcript NM_001184.4 (MANE Select); coding-DNA position 5868, C replaced by T.
Protein change: p.Tyr1956=; no amino-acid change (tyrosine 1956 retained).
Molecular consequence: synonymous variant.
Genome position (GRCh38, 1-based): chr3:142,496,391, G>A on the plus strand (C>T on the coding strand, the complement: ATR is on the minus strand). VCF-style: chr3-142496391-G-A. GRCh37 (hg19) VCF-style: chr3-142215233-G-A.
Other names: c.5676C>T, p.Tyr1892= (NM_001354579.2).
Identifiers: ClinVar variation 157996 (VCV000157996.31), dbSNP rs112018640, ClinGen allele CA171372.